The following is an entry in ClinVar:

ClinVar aggregate classification (germline): Likely benign (0 of 4 stars; one submission).

Conditions:
IQGAP3-related disorder. Also called: IQGAP3-related condition.

Allele frequency attached by ClinVar (database versions not stated): gnomAD 0.00004; TOPMed 0.00011; gnomAD exomes 0.00014; ExAC 0.00021.

Submission:

PreventionGenetics, part of Exact Sciences
Classification: Likely benign for IQGAP3-related condition. Last evaluated: 2019-04-02. Review status: no assertion criteria provided. Collection method: clinical testing. Allele origin: germline.
Comment: This variant is classified as likely benign based on ACMG/AMP sequence variant interpretation guidelines (Richards et al. 2015 PMID: 25741868, with internal and published modifications).

NM_178229.5(IQGAP3):c.3873+8G>T

Gene: IQGAP3 (IQ motif containing GTPase activating protein 3; minus strand). Cytogenetic location: 1q22.
Variant type: single nucleotide variant.
Coding change: c.3873+8G>T on transcript NM_178229.5 (MANE Select); 8 bases into the intron after coding-DNA position 3873, G replaced by T.
Molecular consequence: intron variant.
Genome position (GRCh38, 1-based): chr1:156,534,001, C>A on the plus strand (G>T on the coding strand, the complement: IQGAP3 is on the minus strand). VCF-style: chr1-156534001-C-A. GRCh37 (hg19) VCF-style: chr1-156503793-C-A.
Identifiers: ClinVar variation 3057904 (VCV003057904.2), dbSNP rs777426497, ClinGen allele CA1160893.
Genomic context (GRCh38, chr1:156,534,001, plus strand): 5'-ACTACCCCATCACAGGCTACCAAACCCTTGCCCACCCAGCCAACACCCTCCAGATCTCAG[C>A]CCCTCACCCTGTGCGTGTTGACCAGCTCCCCCACGGTGATGTACACCATGGGTTTGGCCA-3'